The following is an entry in ClinVar:

NM_139315.3(TAF6):c.1831C>A (p.Leu611Ile)

Genes: AP4M1 (adaptor related protein complex 4 subunit mu 1; plus strand), TAF6 (TATA-box binding protein associated factor 6; minus strand). Cytogenetic location: 7q22.1.
Variant type: single nucleotide variant.
Coding change: c.1831C>A on transcript NM_139315.3 (MANE Select); coding-DNA position 1831, C replaced by A.
Protein change: p.Leu611Ile; replaces leucine 611 with isoleucine.
Molecular consequence: missense variant. On other transcripts: non-coding transcript variant (1), 3 prime UTR variant (2).
Genome position (GRCh38, 1-based): chr7:100,107,449, G>T on the plus strand (C>A on the coding strand, the complement: TAF6 is on the minus strand). VCF-style: chr7-100107449-G-T. GRCh37 (hg19) VCF-style: chr7-99705072-G-T.
Other names: c.1942C>A, p.Leu648Ile (NM_001190415.2); c.1831C>A, p.Leu611Ile (NM_001364998.1, NM_001364999.1, NM_005641.4); c.1801C>A, p.Leu601Ile (NM_001365000.1, NM_001365001.1, NM_001365002.1 and 1 more transcripts); c.1969C>A, p.Leu657Ile (NM_001365004.1); c.*567G>T (NM_001363671.2, NM_004722.4); short protein forms L648I, L657I, L601I, L611I.
Identifiers: ClinVar variation 3699529 (VCV003699529.2).
Genomic context (GRCh38, chr7:100,107,449, plus strand): 5'-GGGGAGGAACTGGAGAAGGATGGGAGGTGGGGCCTCCTTTGCCCTCCCCTGTTGGGGGAA[G>T]TGAGACCACGATGTACTTCTGGACACTCCCAGGACCAGAGGGAGCAGTGCTGGGGGGTGC-3'
Protein context (NP_647476.1, residues 601-621): GSVQKYIVVS[Leu611Ile]PPTGEGKGGP

ClinVar aggregate classification (germline): Uncertain significance (1 of 4 stars; one submission).

gnomAD v4.1: 55 of 1,612,766 alleles (0.0034%); highest among the groups gnomAD compares: South Asian, 0.0066%; no homozygotes.

Submission:

Labcorp Genetics (formerly Invitae), Labcorp
Classification: Uncertain significance. Last evaluated: 2025-02-19. Review status: criteria provided, single submitter. Criteria: Invitae Variant Classification Sherloc (09022015). Collection method: clinical testing. Allele origin: germline.
Comment: This sequence change replaces leucine, which is neutral and non-polar, with isoleucine, which is neutral and non-polar, at codon 611 of the TAF6 protein (p.Leu611Ile). This variant is present in population databases (rs371453033, gnomAD 0.007%). This variant has not been reported in the literature in individuals affected with TAF6-related conditions. An algorithm developed to predict the effect of missense changes on protein structure and function (PolyPhen-2) suggests that this variant is likely to be disruptive. In summary, the available evidence is currently insufficient to determine the role of this variant in disease. Therefore, it has been classified as a Variant of Uncertain Significance.